The following is an entry in ClinVar:

ClinVar aggregate classification (germline): Uncertain significance. Review status: criteria provided, multiple submitters, no conflicts (2 of 4 stars). 2 submissions from 2 submitters: Uncertain significance (2). Last evaluated 2026-04-30.

Conditions:
IFT140-related disorder. Also called: IFT140-related condition.
Saldino-Mainzer syndrome (SRTD9). Also called: SHORT-RIB THORACIC DYSPLASIA 9 WITHOUT POLYDACTYLY; short-rib thoracic dysplasia 9 with or without polydactyly; CONORENAL SYNDROME; Renal dysplasia, retinal pigmentary dystrophy, cerebellar ataxia and skeletal dysplasia. Identifiers: Orphanet 140969, MedGen C1849437, MONDO:0009964, OMIM 266920.

Allele frequency attached by ClinVar (database versions not stated): gnomAD exomes below 0.00001; gnomAD 0.00001; TOPMed 0.00001.
gnomAD v4.1: 19 of 1,613,462 alleles (0.0012%); highest among the groups gnomAD compares: Middle Eastern, 0.016%; no homozygotes.

Submissions (2):

PreventionGenetics, part of Exact Sciences
Classification: Uncertain significance for IFT140-related condition. Last evaluated: 2026-04-30. Review status: criteria provided, single submitter. Criteria: ACMG Guidelines, 2015. Collection method: clinical testing. Allele origin: germline.
Comment: The IFT140 c.3223G>A variant is predicted to result in the amino acid substitution p.Glu1075Lys. To our knowledge, this variant has not been reported in the literature. This variant is reported in 0.0050% of alleles in individuals of East Asian descent in gnomAD. At this time, the clinical significance of this variant is uncertain due to the absence of conclusive functional and genetic evidence.

Labcorp Genetics (formerly Invitae), Labcorp
Classification: Uncertain significance for Saldino-Mainzer syndrome. Last evaluated: 2022-08-23. Review status: criteria provided, single submitter. Criteria: Invitae Variant Classification Sherloc (09022015). Collection method: clinical testing. Allele origin: germline.
Comment: This sequence change replaces glutamic acid, which is acidic and polar, with lysine, which is basic and polar, at codon 1075 of the IFT140 protein (p.Glu1075Lys). This variant is present in population databases (no rsID available, gnomAD 0.005%). This variant has not been reported in the literature in individuals affected with IFT140-related conditions. ClinVar contains an entry for this variant (Variation ID: 1510135). Algorithms developed to predict the effect of missense changes on protein structure and function are either unavailable or do not agree on the potential impact of this missense change (SIFT: "Deleterious"; PolyPhen-2: "Probably Damaging"; Align-GVGD: "Class C0"). In summary, the available evidence is currently insufficient to determine the role of this variant in disease. Therefore, it has been classified as a Variant of Uncertain Significance.

NM_014714.4(IFT140):c.3223G>A (p.Glu1075Lys)

Gene: IFT140 (intraflagellar transport 140; minus strand). Cytogenetic location: 16p13.3.
Variant type: single nucleotide variant.
Coding change: c.3223G>A on transcript NM_014714.4 (MANE Select); coding-DNA position 3223, G replaced by A.
Protein change: p.Glu1075Lys; replaces glutamic acid 1075 with lysine.
Molecular consequence: missense variant.
Genome position (GRCh38, 1-based): chr16:1,523,875, C>T on the plus strand (G>A on the coding strand, the complement: IFT140 is on the minus strand). VCF-style: chr16-1523875-C-T. GRCh37 (hg19) VCF-style: chr16-1573876-C-T.
Other names: c.3223G>A (NM_014714.3); short protein forms E1075K.
Identifiers: ClinVar variation 1510135 (VCV001510135.4), dbSNP rs936261766, ClinGen allele CA276677766.
Genomic context (GRCh38, chr16:1,523,875, plus strand): 5'-GGCCAGCCCTCACCTTGTGGTACAGCATGACCGCCCTGTCCATCTGCACGCCCTTCTCCT[C>T]GTAGTATCGGGCCGCCTCGATCATGTCCTCGGGGGAGCTCAGCAGGGCCAAGTTCATGAG-3'
Protein context (NP_055529.2, residues 1065-1085): EDMIEAARYY[Glu1075Lys]EKGVQMDRAV